The following is an entry in ClinVar:

NM_000090.4(COL3A1):c.2394T>C (p.Gly798=)

Genes: COL3A1 (collagen type III alpha 1 chain; plus strand), LOC126806446 (P300/CBP strongly-dependent group 1 enhancer GRCh37_chr2:189866210-189867409; plus strand). Cytogenetic location: 2q32.2.
Variant type: single nucleotide variant.
Coding change: c.2394T>C on transcript NM_000090.4 (MANE Select); coding-DNA position 2394, T replaced by C.
Protein change: p.Gly798=; no amino-acid change (glycine 798 retained).
Molecular consequence: synonymous variant.
Genome position (GRCh38, 1-based): chr2:189,002,300, T>C. VCF-style: chr2-189002300-T-C. GRCh37 (hg19) VCF-style: chr2-189867026-T-C.
Identifiers: ClinVar variation 263931 (VCV000263931.18), dbSNP rs886038982, ClinGen allele CA10587536.

ClinVar aggregate classification (germline): Likely benign. Review status: criteria provided, multiple submitters, no conflicts (2 of 4 stars). 5 submissions from 5 submitters: Likely benign (5). Last evaluated 2026-06-01.

Conditions:
Familial thoracic aortic aneurysm and aortic dissection (TAAD). Also called: Thoracic aortic aneurysms and dissections. Identifiers: Orphanet 91387, MedGen C4707243, MONDO:0019625.
Ehlers-Danlos syndrome, type 4 (EDSVASC). Also called: Ehlers-Danlos syndrome vascular type; Ehlers Danlos syndrome, ecchymotic type; Ehlers Danlos syndrome, arterial type; Ehlers Danlos syndrome, Sack-Barabas type; Ehlers-Danlos Syndrome Type IV. Identifiers: Orphanet 286, MedGen C0268338, MONDO:0017314, OMIM 130050.

Allele frequency attached by ClinVar (database versions not stated): TOPMed below 0.00001; gnomAD exomes 0.00001; gnomAD 0.00002.
gnomAD v4.1: 12 of 1,613,360 alleles (0.00074%); highest among the groups gnomAD compares: Non-Finnish European, 0.001%; no homozygotes.

Submissions (5):

Women's Health and Genetics/Laboratory Corporation of America, LabCorp
Classification: Likely benign. Last evaluated: 2026-06-01. Review status: criteria provided, single submitter. Criteria: LabCorp Variant Classification Summary - May 2015. Collection method: clinical testing. Allele origin: germline.
Comment: Variant summary: COL3A1 c.2394T>C alters a conserved nucleotide resulting in a synonymous change near a canonical splice site. Consensus agreement among computation tools predict no significant impact on normal splicing. However, these predictions have yet to be confirmed by functional studies. The variant allele was found at a frequency of 8e-06 in 251332 control chromosomes. The available data on variant occurrences in the general population are insufficient to allow any conclusion about variant significance. To our knowledge, no occurrence of c.2394T>C in individuals affected with COL3A1-related conditions and no experimental evidence demonstrating its impact on protein function have been reported. ClinVar contains an entry for this variant (Variation ID: 263931). Based on the evidence outlined above, the variant was classified as likely benign.

Labcorp Genetics (formerly Invitae), Labcorp
Classification: Likely benign for Ehlers-Danlos syndrome, type 4. Last evaluated: 2025-12-01. Review status: criteria provided, single submitter. Criteria: Invitae Variant Classification Sherloc (09022015). Collection method: clinical testing. Allele origin: germline.

All of Us Research Program, National Institutes of Health
Classification: Likely benign for Ehlers-Danlos syndrome, type 4. Last evaluated: 2023-11-30. Review status: criteria provided, single submitter. Criteria: ACMG Guidelines, 2015. Collection method: clinical testing. Allele origin: germline. Inheritance: Autosomal dominant inheritance. Observed: 6 variant alleles, 6 heterozygotes.
Comment: This study involves interpretation of variants in research participants for the purpose of population health screening. Participant phenotype was not available at the time of variant classification. Additional details can be found in publication PMID: 35346344, PMCID: PMC8962531

Color Diagnostics, LLC DBA Color Health
Classification: Likely benign for Familial thoracic aortic aneurysm and aortic dissection. Last evaluated: 2018-09-10. Review status: criteria provided, single submitter. Criteria: ACMG Guidelines, 2015. Collection method: clinical testing. Allele origin: germline.

Ambry Genetics
Classification: Likely benign for Familial thoracic aortic aneurysm and aortic dissection. Last evaluated: 2015-03-18. Review status: criteria provided, single submitter. Criteria: Ambry Variant Classification Scheme 2023. Collection method: clinical testing. Allele origin: germline.